The following is an entry in ClinVar:

ClinVar aggregate classification (germline): Benign. Review status: criteria provided, multiple submitters, no conflicts (2 of 4 stars). 6 submissions from 6 submitters: Benign (6). Last evaluated 2026-02-03.

Conditions:
Emery-Dreifuss muscular dystrophy 5, autosomal dominant (EDMD5). Also called: EMERY-DREIFUSS MUSCULAR DYSTROPHY 5. Identifiers: Orphanet 261, MedGen C2751805, MONDO:0013072, OMIM 612999.

Allele frequency attached by ClinVar (database versions not stated): 1000 Genomes Project 30x 0.69472; 1000 Genomes Project 0.70248; TOPMed 0.74634; gnomAD 0.75629 and 0.76030; ESP Exome Variant Server 0.76882; ExAC 0.82092; gnomAD exomes 0.82545 and 0.86538.
gnomAD v4.1: 1,378,965 of 1,613,954 alleles (85%); highest among the groups gnomAD compares: Non-Finnish European, 89%; 595,786 homozygotes.

Submissions (6):

Labcorp Genetics (formerly Invitae), Labcorp
Classification: Benign for Emery-Dreifuss muscular dystrophy 5, autosomal dominant. Last evaluated: 2026-02-03. Review status: criteria provided, single submitter. Criteria: Invitae Variant Classification Sherloc (09022015). Collection method: clinical testing. Allele origin: germline.

Genome-Nilou Lab
Classification: Benign for Emery-Dreifuss muscular dystrophy 5, autosomal dominant. Last evaluated: 2021-07-15. Review status: criteria provided, single submitter. Criteria: ACMG Guidelines, 2015. Collection method: clinical testing. Allele origin: germline. Affected: no.

GeneDx
Classification: Benign. Last evaluated: 2018-07-09. Review status: criteria provided, single submitter. Criteria: GeneDx Variant Classification Process June 2021. Collection method: clinical testing. Allele origin: germline. Affected: yes.

Illumina Laboratory Services, Illumina
Classification: Benign for Emery-Dreifuss muscular dystrophy 5, autosomal dominant. Last evaluated: 2018-01-13. Review status: criteria provided, single submitter. Criteria: ICSL Variant Classification Criteria 13 December 2019. Collection method: clinical testing. Allele origin: germline.
Comment: This variant was observed in the ICSL laboratory as part of a predisposition screen in an ostensibly healthy population. It had not been previously curated by ICSL or reported in the Human Gene Mutation Database (HGMD: prior to June 1st, 2018), and was therefore a candidate for classification through an automated scoring system. Utilizing variant allele frequency, disease prevalence and penetrance estimates, and inheritance mode, an automated score was calculated to assess if this variant is too frequent to cause the disease. Based on the score and internal cut-off values, a variant classified as benign is not then subjected to further curation. The score for this variant resulted in a classification of benign for this disease.

Genetic Services Laboratory, University of Chicago
Classification: Benign for AllHighlyPenetrant. Last evaluated: 2013-08-15. Review status: criteria provided, single submitter. Criteria: ACMG Guidelines, 2007. Collection method: clinical testing. Allele origin: germline. Inheritance: Autosomal dominant inheritance.

Breakthrough Genomics
Classification: Benign. Review status: criteria provided, single submitter. Criteria: ACMG Guidelines, 2015. Collection method: not provided. Allele origin: germline. Inheritance: Autosomal dominant inheritance. Affected: yes.

NM_182914.3(SYNE2):c.7076G>A (p.Ser2359Asn)

Gene: SYNE2 (spectrin repeat containing nuclear envelope protein 2; plus strand). Cytogenetic location: 14q23.2.
Variant type: single nucleotide variant.
Coding change: c.7076G>A on transcript NM_182914.3 (MANE Select); coding-DNA position 7076, G replaced by A.
Protein change: p.Ser2359Asn; replaces serine 2359 with asparagine.
Molecular consequence: missense variant.
Genome position (GRCh38, 1-based): chr14:64,031,212, G>A. VCF-style: chr14-64031212-G-A. GRCh37 (hg19) VCF-style: chr14-64497930-G-A.
Other names: c.7076G>A, p.Ser2359Asn (NM_015180.6); short protein forms S2359N.
Identifiers: ClinVar variation 130508 (VCV000130508.21), dbSNP rs4027404, ClinGen allele CA155600.